The following is an entry in ClinVar:

ClinVar aggregate classification (germline): Uncertain significance (1 of 4 stars; one submission).

Conditions:
Thrombophilia due to protein C deficiency, autosomal dominant. Also called: PROC DEFICIENCY, AUTOSOMAL DOMINANT; PROTEIN C DEFICIENCY, AUTOSOMAL DOMINANT. Identifiers: Orphanet 745, MedGen C2674321, MONDO:0008316, OMIM 176860. Disease mechanism: loss of function.

Submission:

Labcorp Genetics (formerly Invitae), Labcorp
Classification: Uncertain significance for Thrombophilia due to protein C deficiency, autosomal dominant. Last evaluated: 2024-02-08. Review status: criteria provided, single submitter. Criteria: Invitae Variant Classification Sherloc (09022015). Collection method: clinical testing. Allele origin: germline.
Comment: This sequence change replaces histidine, which is basic and polar, with glutamine, which is neutral and polar, at codon 52 of the PROC protein (p.His52Gln). This variant is not present in population databases (gnomAD no frequency). This variant has not been reported in the literature in individuals affected with PROC-related conditions. ClinVar contains an entry for this variant (Variation ID: 566689). An algorithm developed to predict the effect of missense changes on protein structure and function (PolyPhen-2) suggests that this variant is likely to be tolerated. In summary, the available evidence is currently insufficient to determine the role of this variant in disease. Therefore, it has been classified as a Variant of Uncertain Significance.

NM_000312.4(PROC):c.156C>G (p.His52Gln)

Gene: PROC (protein C, inactivator of coagulation factors Va and VIIIa; plus strand). Cytogenetic location: 2q14.3.
Variant type: single nucleotide variant.
Coding change: c.156C>G on transcript NM_000312.4 (MANE Select); coding-DNA position 156, C replaced by G.
Protein change: p.His52Gln; replaces histidine 52 with glutamine.
Molecular consequence: missense variant.
Genome position (GRCh38, 1-based): chr2:127,421,368, C>G. VCF-style: chr2-127421368-C-G. GRCh37 (hg19) VCF-style: chr2-128178944-C-G.
Other names: c.339C>G, p.His113Gln (NM_001375602.1); c.219C>G, p.His73Gln (NM_001375603.1, NM_001375604.1, NM_001375606.1); c.156C>G, p.His52Gln (NM_001375605.1, NM_001375608.1, NM_001375611.1 and 1 more transcripts); c.240C>G, p.His80Gln (NM_001375607.1); c.132C>G, p.His44Gln (NM_001375609.1); c.150C>G, p.His50Gln (NM_001375610.1); short protein forms H52Q, H113Q, H44Q, H50Q, H73Q, H80Q.
Identifiers: ClinVar variation 566689 (VCV000566689.8), dbSNP rs1558712064, ClinGen allele CA348397883.
Genomic context (GRCh38, chr2:127,421,368, plus strand): 5'-TGCCCACCAGGTGCTGCGGATCCGCAAACGTGCCAACTCCTTCCTGGAGGAGCTCCGTCA[C>G]AGCAGCCTGGAGCGGGAGTGCATAGAGGAGATCTGTGACTTCGAGGAGGCCAAGGAAATT-3'
Protein context (NP_000303.1, residues 42-62): RANSFLEELR[His52Gln]SSLERECIEE